The following is an entry in ClinVar:

NM_170784.3(MKKS):c.573A>C (p.Glu191Asp)

Gene: MKKS (MKKS centrosomal shuttling protein; minus strand). Cytogenetic location: 20p12.2.
Variant type: single nucleotide variant.
Coding change: c.573A>C on transcript NM_170784.3 (MANE Select); coding-DNA position 573, A replaced by C.
Protein change: p.Glu191Asp; replaces glutamic acid 191 with aspartic acid.
Molecular consequence: missense variant.
Genome position (GRCh38, 1-based): chr20:10,412,942, T>G on the plus strand (A>C on the coding strand, the complement: MKKS is on the minus strand). VCF-style: chr20-10412942-T-G. GRCh37 (hg19) VCF-style: chr20-10393590-T-G.
Other names: c.573A>C, p.Glu191Asp (NM_018848.3); short protein forms E191D.
Identifiers: ClinVar variation 2116647 (VCV002116647.2), dbSNP rs1241449462, ClinGen allele CA408232812.

ClinVar aggregate classification (germline): Uncertain significance (1 of 4 stars; one submission).

Conditions:
Bardet-Biedl syndrome (BBS). Identifiers: Orphanet 110, MedGen C0752166, MONDO:0015229.
McKusick-Kaufman syndrome (MKKS). Also called: HYDROMETROCOLPOS SYNDROME; HYDROMETROCOLPOS, POSTAXIAL POLYDACTYLY, AND CONGENITAL HEART MALFORMATION. Identifiers: Orphanet 2473, MedGen C0948368, MONDO:0009367, OMIM 236700.

Allele frequency attached by ClinVar (database versions not stated): gnomAD exomes below 0.00001.
gnomAD v4.1: 1 of 1,613,874 alleles (0.000062%); highest among the groups gnomAD compares: Non-Finnish European, 0.000085%; no homozygotes.

Submission:

Labcorp Genetics (formerly Invitae), Labcorp
Classification: Uncertain significance for McKusick-Kaufman syndrome; Bardet-Biedl syndrome. Last evaluated: 2022-03-25. Review status: criteria provided, single submitter. Criteria: Invitae Variant Classification Sherloc (09022015). Collection method: clinical testing. Allele origin: germline.
Comment: In summary, the available evidence is currently insufficient to determine the role of this variant in disease. Therefore, it has been classified as a Variant of Uncertain Significance. Algorithms developed to predict the effect of missense changes on protein structure and function (SIFT, PolyPhen-2, Align-GVGD) all suggest that this variant is likely to be tolerated. This variant has not been reported in the literature in individuals affected with MKKS-related conditions. This variant is not present in population databases (gnomAD no frequency). This sequence change replaces glutamic acid, which is acidic and polar, with aspartic acid, which is acidic and polar, at codon 191 of the MKKS protein (p.Glu191Asp).